The following is an entry in ClinVar:

ClinVar aggregate classification (germline): Uncertain significance (1 of 4 stars; one submission).

Conditions:
Leber congenital amaurosis 6 (LCA6). Identifiers: Orphanet 65, MedGen C1854260, MONDO:0013446, OMIM 613826.
Cone-rod dystrophy 13 (CORD13). Identifiers: Orphanet 1872, MedGen C2750720, MONDO:0011987, OMIM 608194.

Submission:

Labcorp Genetics (formerly Invitae), Labcorp
Classification: Uncertain significance for Leber congenital amaurosis 6; Cone-rod dystrophy 13. Last evaluated: 2020-09-25. Review status: criteria provided, single submitter. Criteria: Invitae Variant Classification Sherloc (09022015). Collection method: clinical testing. Allele origin: germline.
Comment: Nucleotide substitutions within the consensus splice site are a relatively common cause of aberrant splicing (PMID: 17576681, 9536098). Algorithms developed to predict the effect of sequence changes on RNA splicing suggest that this variant may disrupt the consensus splice site, but this prediction has not been confirmed by published transcriptional studies. In summary, the available evidence is currently insufficient to determine the role of this variant in disease. Therefore, it has been classified as a Variant of Uncertain Significance. This variant has not been reported in the literature in individuals with RPGRIP1-related conditions. This variant is not present in population databases (ExAC no frequency). This sequence change falls in intron 18 of the RPGRIP1 gene. It does not directly change the encoded amino acid sequence of the RPGRIP1 protein, but it affects a nucleotide within the consensus splice site of the intron.

Literature cited by the submitters: PubMed 17576681; PubMed 9536098.

NM_020366.4(RPGRIP1):c.3099+2dup

Gene: RPGRIP1 (RPGR interacting protein 1; plus strand). Cytogenetic location: 14q11.2.
Variant type: Duplication.
Coding change: c.3099+2dup on transcript NM_020366.4 (MANE Select); the canonical splice donor site of the intron after coding-DNA position 3099, one base duplicated (T; older notation c.3099+2dupT).
Molecular consequence: splice donor variant.
Genome position (GRCh38, 1-based): chr14:21,328,629, T duplicated. VCF-style (leftmost placement, unchanged base first): chr14-21328628-G-GT. GRCh37 (hg19) VCF-style: chr14-21796787-G-GT.
Other names: c.2025+2dup (NM_001377948.1); c.1185+2dup (NM_001377949.1); c.1077+2dup (NM_001377523.1, NM_001377950.1); c.579+2dup (NM_001377951.1).
Identifiers: ClinVar variation 1014864 (VCV001014864.6), dbSNP rs1883370936, ClinGen allele CA2122464965.